The following is an entry in ClinVar:

NM_014714.4(IFT140):c.2875C>T (p.Arg959Trp)

Genes: IFT140 (intraflagellar transport 140; minus strand), LOC126862260 (CDK7 strongly-dependent group 2 enhancer GRCh37_chr16:1574508-1575707; plus strand). Cytogenetic location: 16p13.3.
Variant type: single nucleotide variant.
Coding change: c.2875C>T on transcript NM_014714.4 (MANE Select); coding-DNA position 2875, C replaced by T.
Protein change: p.Arg959Trp; replaces arginine 959 with tryptophan.
Molecular consequence: missense variant.
Genome position (GRCh38, 1-based): chr16:1,524,906, G>A on the plus strand (C>T on the coding strand, the complement: IFT140 is on the minus strand). VCF-style: chr16-1524906-G-A. GRCh37 (hg19) VCF-style: chr16-1574907-G-A.
Other names: c.2875C>T (NM_014714.3); short protein forms R959W.
Identifiers: ClinVar variation 2060131 (VCV002060131.3), dbSNP rs537085826, ClinGen allele CA7813434.
Genomic context (GRCh38, chr16:1,524,906, plus strand): 5'-CGTAGTAGTGCAGCGCGGCGTCCATCTCGCCCTGGCTCTCCAGGTACTGCGCCCACCACC[G>A]CCACAGGGTCCTGCGGGCAGCCCAAGACCATGGATTCTCCACCCGAGCCCCGCTCCAACC-3'
Protein context (NP_055529.2, residues 949-969): VNKMKDKTLW[Arg959Trp]WWAQYLESQG

ClinVar aggregate classification (germline): Uncertain significance. Review status: criteria provided, multiple submitters, no conflicts (2 of 4 stars). 3 submissions from 3 submitters: Uncertain significance (3). Last evaluated 2025-09-11.

Conditions:
IFT140-related disorder. Also called: IFT140-related condition.
Saldino-Mainzer syndrome (SRTD9). Also called: Renal dysplasia, retinal pigmentary dystrophy, cerebellar ataxia and skeletal dysplasia; short-rib thoracic dysplasia 9 with or without polydactyly; CONORENAL SYNDROME; SHORT-RIB THORACIC DYSPLASIA 9 WITHOUT POLYDACTYLY. Identifiers: Orphanet 140969, MedGen C1849437, MONDO:0009964, OMIM 266920.

Allele frequency attached by ClinVar (database versions not stated): TOPMed 0.00002; gnomAD 0.00003; gnomAD exomes 0.00003; ExAC 0.00007; 1000 Genomes Project 30x 0.00016; 1000 Genomes Project 0.00020.
gnomAD v4.1: 56 of 1,607,672 alleles (0.0035%); highest among the groups gnomAD compares: South Asian, 0.042%; no homozygotes.

Submissions (3):

PreventionGenetics, part of Exact Sciences
Classification: Uncertain significance for IFT140-related condition. Last evaluated: 2025-09-11. Review status: criteria provided, single submitter. Criteria: ACMG Guidelines, 2015. Collection method: clinical testing. Allele origin: germline.
Comment: The IFT140 c.2875C>T variant is predicted to result in the amino acid substitution p.Arg959Trp. To our knowledge, this variant has not been reported in the literature. This variant is present in 0.043% of alleles in individuals of South Asian descent in gnomAD. At this time, the clinical significance of this variant is uncertain due to the absence of conclusive functional and genetic evidence.

Blueprint Genetics
Classification: Uncertain significance. Last evaluated: 2024-01-30. Review status: criteria provided, single submitter. Criteria: ACMG Guidelines, 2015. Collection method: clinical testing. Allele origin: germline.

Labcorp Genetics (formerly Invitae), Labcorp
Classification: Uncertain significance for Saldino-Mainzer syndrome. Last evaluated: 2022-01-19. Review status: criteria provided, single submitter. Criteria: Invitae Variant Classification Sherloc (09022015). Collection method: clinical testing. Allele origin: germline.
Comment: This sequence change replaces arginine, which is basic and polar, with tryptophan, which is neutral and slightly polar, at codon 959 of the IFT140 protein (p.Arg959Trp). This variant is present in population databases (rs537085826, gnomAD 0.04%). This variant has not been reported in the literature in individuals affected with IFT140-related conditions. Algorithms developed to predict the effect of missense changes on protein structure and function are either unavailable or do not agree on the potential impact of this missense change (SIFT: "Deleterious"; PolyPhen-2: "Possibly Damaging"; Align-GVGD: "Class C0"). In summary, the available evidence is currently insufficient to determine the role of this variant in disease. Therefore, it has been classified as a Variant of Uncertain Significance.